The following is an entry in ClinVar:

ClinVar aggregate classification (germline): Likely benign (1 of 4 stars; one submission).

Allele frequency attached by ClinVar (database versions not stated): 1000 Genomes Project 0.00120; 1000 Genomes Project 30x 0.00187; ExAC 0.00289; TOPMed 0.00441; gnomAD 0.00517; ESP Exome Variant Server 0.00548; gnomAD exomes 0.00753.

Submission:

CeGaT Center for Human Genetics Tuebingen
Classification: Likely benign. Last evaluated: 2022-06-01. Review status: criteria provided, single submitter. Criteria: CeGaT Center For Human Genetics Tuebingen Variant Classification Criteria Version 2. Collection method: clinical testing. Allele origin: germline. Affected: yes. Observed: 1 variant allele.
Comment: CFAP73: BP4, BP7

NM_001144872.3(CFAP73):c.771C>T (p.Asn257=)

Gene: CFAP73 (cilia and flagella associated protein 73; plus strand). Cytogenetic location: 12q24.13.
Variant type: single nucleotide variant.
Coding change: c.771C>T on transcript NM_001144872.3 (MANE Select); coding-DNA position 771, C replaced by T.
Protein change: p.Asn257=; no amino-acid change (asparagine 257 retained).
Molecular consequence: synonymous variant.
Genome position (GRCh38, 1-based): chr12:113,155,340, C>T. VCF-style: chr12-113155340-C-T. GRCh37 (hg19) VCF-style: chr12-113593145-C-T.
Identifiers: ClinVar variation 2643351 (VCV002643351.24), dbSNP rs149289099, ClinGen allele CA6803146.